The following is an entry in ClinVar:

ClinVar aggregate classification (germline): Uncertain significance. Review status: criteria provided, multiple submitters, no conflicts (2 of 4 stars). 2 submissions from 2 submitters: Uncertain significance (2). Last evaluated 2024-09-15.

Conditions:
Familial temporal lobe epilepsy 7. Identifiers: Orphanet 101046, MedGen C4225327, MONDO:0014639, OMIM 616436.
Norman-Roberts syndrome (LIS2). Also called: Lissencephaly 2 (Norman-Roberts type). Identifiers: Orphanet 89844, MedGen C0796089, MONDO:0009760, OMIM 257320.

Allele frequency attached by ClinVar (database versions not stated): gnomAD 0.00001; gnomAD exomes 0.00001; TOPMed 0.00001.
gnomAD v4.1: 17 of 1,613,998 alleles (0.0011%); highest among the groups gnomAD compares: Admixed American, 0.0017%; no homozygotes.

Submissions (2):

Labcorp Genetics (formerly Invitae), Labcorp
Classification: Uncertain significance for Familial temporal lobe epilepsy 7; Norman-Roberts syndrome. Last evaluated: 2024-09-15. Review status: criteria provided, single submitter. Criteria: Invitae Variant Classification Sherloc (09022015). Collection method: clinical testing. Allele origin: germline.
Comment: This sequence change replaces lysine, which is basic and polar, with glutamine, which is neutral and polar, at codon 1457 of the RELN protein (p.Lys1457Gln). This variant is present in population databases (no rsID available, gnomAD 0.003%). This variant has not been reported in the literature in individuals affected with RELN-related conditions. ClinVar contains an entry for this variant (Variation ID: 624299). Invitae Evidence Modeling of protein sequence and biophysical properties (such as structural, functional, and spatial information, amino acid conservation, physicochemical variation, residue mobility, and thermodynamic stability) indicates that this missense variant is not expected to disrupt RELN protein function with a negative predictive value of 80%. In summary, the available evidence is currently insufficient to determine the role of this variant in disease. Therefore, it has been classified as a Variant of Uncertain Significance.

CeGaT Center for Human Genetics Tuebingen
Classification: Uncertain significance. Last evaluated: 2018-06-01. Review status: criteria provided, single submitter. Criteria: CeGaT Center For Human Genetics Tuebingen Variant Classification Criteria Version 2. Collection method: clinical testing. Allele origin: germline. Affected: yes. Observed: 1 variant allele.

NM_005045.4(RELN):c.4369A>C (p.Lys1457Gln)

Gene: RELN (reelin; minus strand). Cytogenetic location: 7q22.1.
Variant type: single nucleotide variant.
Coding change: c.4369A>C on transcript NM_005045.4 (MANE Select); coding-DNA position 4369, A replaced by C.
Protein change: p.Lys1457Gln; replaces lysine 1457 with glutamine.
Molecular consequence: missense variant.
Genome position (GRCh38, 1-based): chr7:103,574,234, T>G on the plus strand (A>C on the coding strand, the complement: RELN is on the minus strand). VCF-style: chr7-103574234-T-G. GRCh37 (hg19) VCF-style: chr7-103214681-T-G.
Other names: c.4369A>C, p.Lys1457Gln (NM_173054.3); short protein forms K1457Q.
Identifiers: ClinVar variation 624299 (VCV000624299.46), dbSNP rs890007891, ClinGen allele CA163919953.